The following is an entry in ClinVar:

NM_001005242.3(PKP2):c.59A>G (p.Gln20Arg)

Gene: PKP2 (plakophilin 2; minus strand). Cytogenetic location: 12p11.21.
Variant type: single nucleotide variant.
Coding change: c.59A>G on transcript NM_001005242.3 (MANE Select); coding-DNA position 59, A replaced by G.
Protein change: p.Gln20Arg; replaces glutamine 20 with arginine.
Molecular consequence: missense variant.
Genome position (GRCh38, 1-based): chr12:32,896,673, T>C on the plus strand (A>G on the coding strand, the complement: PKP2 is on the minus strand). VCF-style: chr12-32896673-T-C. GRCh37 (hg19) VCF-style: chr12-33049607-T-C.
Other names: c.59A>G, p.Gln20Arg (NM_004572.4); short protein forms Q20R.
Identifiers: ClinVar variation 1377002 (VCV001377002.8), dbSNP rs2138011134, ClinGen allele CA384371613.

ClinVar aggregate classification (germline): Uncertain significance (1 of 4 stars; one submission).

Conditions:
Arrhythmogenic right ventricular dysplasia 9 (ARVD9). Also called: Arrhythmogenic Right Ventricular Dysplasia/Cardiomyopathy 9; ARRHYTHMOGENIC RIGHT VENTRICULAR DYSPLASIA, FAMILIAL, 9. Identifiers: MedGen C1836906, MONDO:0012180, OMIM 609040.

Allele frequency attached by ClinVar (database versions not stated): gnomAD exomes below 0.00001.
gnomAD v4.1: 1 of 1,553,926 alleles (0.000064%); highest among the groups gnomAD compares: Non-Finnish European, 0.000086%; no homozygotes.

Submission:

Labcorp Genetics (formerly Invitae), Labcorp
Classification: Uncertain significance for Arrhythmogenic right ventricular dysplasia 9. Last evaluated: 2020-11-05. Review status: criteria provided, single submitter. Criteria: Invitae Variant Classification Sherloc (09022015). Collection method: clinical testing. Allele origin: germline.
Comment: Algorithms developed to predict the effect of missense changes on protein structure and function (SIFT, PolyPhen-2, Align-GVGD) all suggest that this variant is likely to be tolerated, but these predictions have not been confirmed by published functional studies and their clinical significance is uncertain. In summary, the available evidence is currently insufficient to determine the role of this variant in disease. Therefore, it has been classified as a Variant of Uncertain Significance. This variant has not been reported in the literature in individuals with PKP2-related conditions. The frequency data for this variant in the population databases is considered unreliable, as metrics indicate insufficient coverage at this position in the ExAC database. This sequence change replaces glutamine with arginine at codon 20 of the PKP2 protein (p.Gln20Arg). The glutamine residue is moderately conserved and there is a small physicochemical difference between glutamine and arginine.